The following is an entry in ClinVar:

ClinVar aggregate classification (germline): Likely benign. Review status: criteria provided, multiple submitters, no conflicts (2 of 4 stars). 3 submissions from 3 submitters: Likely benign (2). 1 of the submissions does not count toward it. Last evaluated 2025-12-10.

Conditions:
VCAN-related disorder. Also called: VCAN-related condition.

Allele frequency attached by ClinVar (database versions not stated): gnomAD exomes 0.00005 and 0.00015; ExAC 0.00007; ESP Exome Variant Server 0.00008; TOPMed 0.00008; gnomAD 0.00009 and 0.00010.
gnomAD v4.1: 234 of 1,614,036 alleles (0.014%); highest among the groups gnomAD compares: Non-Finnish European, 0.019%; no homozygotes.

Submissions (3):

Labcorp Genetics (formerly Invitae), Labcorp
Classification: Likely benign. Last evaluated: 2025-12-10. Review status: criteria provided, single submitter. Criteria: Invitae Variant Classification Sherloc (09022015). Collection method: clinical testing. Allele origin: germline.

Blueprint Genetics
Classification: Likely benign. Last evaluated: 2024-09-22. Review status: criteria provided, single submitter. Criteria: ACMG Guidelines, 2015. Collection method: clinical testing. Allele origin: germline.

PreventionGenetics, part of Exact Sciences
Classification: Likely benign for VCAN-related condition. Last evaluated: 2023-05-23. Review status: no assertion criteria provided. Collection method: clinical testing. Allele origin: germline. Not counted in ClinVar's aggregate classification.
Comment: This variant is classified as likely benign based on ACMG/AMP sequence variant interpretation guidelines (Richards et al. 2015 PMID: 25741868, with internal and published modifications).

NM_004385.5(VCAN):c.9312T>C (p.Cys3104=)

Genes: VCAN (versican; plus strand), VCAN-AS1 (VCAN antisense RNA 1; minus strand). Cytogenetic location: 5q14.3.
Variant type: single nucleotide variant.
Coding change: c.9312T>C on transcript NM_004385.5 (MANE Select); coding-DNA position 9312, T replaced by C.
Protein change: p.Cys3104=; no amino-acid change (cysteine 3104 retained).
Molecular consequence: synonymous variant.
Genome position (GRCh38, 1-based): chr5:83,545,583, T>C. VCF-style: chr5-83545583-T-C. GRCh37 (hg19) VCF-style: chr5-82841402-T-C.
Other names: c.1089T>C, p.Cys363= (NM_001126336.3); c.6351T>C, p.Cys2117= (NM_001164097.2); c.4050T>C, p.Cys1350= (NM_001164098.2); c.9312T>C (NM_004385.4).
Identifiers: ClinVar variation 1144140 (VCV001144140.12), dbSNP rs370053498, ClinGen allele CA3333967.